The following is an entry in ClinVar:

ClinVar aggregate classification (germline): Pathogenic (1 of 4 stars; one submission).

Submission:

Labcorp Genetics (formerly Invitae), Labcorp
Classification: Pathogenic. Last evaluated: 2021-06-11. Review status: criteria provided, single submitter. Criteria: Invitae Variant Classification Sherloc (09022015). Collection method: clinical testing. Allele origin: germline.
Comment: This variant is not present in population databases (ExAC no frequency). This variant has been observed in individual(s) with congenital adrenal hyperplasia (PMID: 31388123). It has also been observed to segregate with disease in related individuals. Advanced modeling of protein sequence and biophysical properties (such as structural, functional, and spatial information, amino acid conservation, physicochemical variation, residue mobility, and thermodynamic stability) performed at Invitae indicates that this missense variant is expected to disrupt CYP17A1 protein function. For these reasons, this variant has been classified as Pathogenic. This sequence change replaces cysteine with tyrosine at codon 183 of the CYP17A1 protein (p.Cys183Tyr). The cysteine residue is highly conserved and there is a large physicochemical difference between cysteine and tyrosine.

Literature cited by the submitters: PubMed 31388123.

NM_000102.4(CYP17A1):c.548G>A (p.Cys183Tyr)

Gene: CYP17A1 (cytochrome P450 family 17 subfamily A member 1; minus strand). Cytogenetic location: 10q24.32.
Variant type: single nucleotide variant.
Coding change: c.548G>A on transcript NM_000102.4 (MANE Select); coding-DNA position 548, G replaced by A.
Protein change: p.Cys183Tyr; replaces cysteine 183 with tyrosine.
Molecular consequence: missense variant.
Genome position (GRCh38, 1-based): chr10:102,834,903, C>T on the plus strand (G>A on the coding strand, the complement: CYP17A1 is on the minus strand). VCF-style: chr10-102834903-C-T. GRCh37 (hg19) VCF-style: chr10-104594660-C-T.
Other names: short protein forms C183Y.
Identifiers: ClinVar variation 1457791 (VCV001457791.8), dbSNP rs2134083915, ClinGen allele CA377939985.